The following is an entry in ClinVar:

ClinVar aggregate classification (germline): Uncertain significance (1 of 4 stars; one submission).

Conditions:
Encephalopathy, acute, infection-induced (herpes-specific), susceptibility to, 6. Also called: Herpes simplex encephalitis, susceptibility to, 4. Identifiers: Orphanet 1930, MedGen C3553869, MONDO:0013921, OMIM 614850.

Allele frequency attached by ClinVar (database versions not stated): gnomAD exomes below 0.00001.
gnomAD v4.1: 2 of 1,612,532 alleles (0.00012%); highest among the groups gnomAD compares: Non-Finnish European, 0.00017%; no homozygotes.

Submission:

Labcorp Genetics (formerly Invitae), Labcorp
Classification: Uncertain significance for Encephalopathy, acute, infection-induced (herpes-specific), susceptibility to, 6. Last evaluated: 2022-09-09. Review status: criteria provided, single submitter. Criteria: Invitae Variant Classification Sherloc (09022015). Collection method: clinical testing. Allele origin: germline.
Comment: This variant is not present in population databases (gnomAD no frequency). In summary, the available evidence is currently insufficient to determine the role of this variant in disease. Therefore, it has been classified as a Variant of Uncertain Significance. Algorithms developed to predict the effect of missense changes on protein structure and function (SIFT, PolyPhen-2, Align-GVGD) all suggest that this variant is likely to be disruptive. ClinVar contains an entry for this variant (Variation ID: 1059717). This variant has not been reported in the literature in individuals affected with TICAM1-related conditions. This sequence change replaces glutamic acid, which is acidic and polar, with lysine, which is basic and polar, at codon 515 of the TICAM1 protein (p.Glu515Lys).

NM_182919.4(TICAM1):c.1543G>A (p.Glu515Lys)

Gene: TICAM1 (TIR domain containing adaptor molecule 1; minus strand). Cytogenetic location: 19p13.3.
Variant type: single nucleotide variant.
Coding change: c.1543G>A on transcript NM_182919.4 (MANE Select); coding-DNA position 1543, G replaced by A.
Protein change: p.Glu515Lys; replaces glutamic acid 515 with lysine.
Molecular consequence: missense variant.
Genome position (GRCh38, 1-based): chr19:4,816,835, C>T on the plus strand (G>A on the coding strand, the complement: TICAM1 is on the minus strand). VCF-style: chr19-4816835-C-T. GRCh37 (hg19) VCF-style: chr19-4816847-C-T.
Other names: c.1501G>A, p.Glu501Lys (NM_001385678.1); c.1408G>A, p.Glu470Lys (NM_001385679.1); c.901G>A, p.Glu301Lys (NM_001385680.1); short protein forms E301K, E470K, E501K, E515K.
Identifiers: ClinVar variation 1059717 (VCV001059717.9), dbSNP rs2146168208, ClinGen allele CA403489366.